The following is an entry in ClinVar:

NM_005751.5(AKAP9):c.4241T>C (p.Ile1414Thr)

Gene: AKAP9 (A-kinase anchoring protein 9; plus strand). Cytogenetic location: 7q21.2.
Variant type: single nucleotide variant.
Coding change: c.4241T>C on transcript NM_005751.5 (MANE Select); coding-DNA position 4241, T replaced by C.
Protein change: p.Ile1414Thr; replaces isoleucine 1414 with threonine.
Molecular consequence: missense variant.
Genome position (GRCh38, 1-based): chr7:92,029,987, T>C. VCF-style: chr7-92029987-T-C. GRCh37 (hg19) VCF-style: chr7-91659301-T-C.
Other names: c.4241T>C, p.Ile1414Thr (NM_147185.3); short protein forms I1414T.
Identifiers: ClinVar variation 3106854 (VCV003106854.2), dbSNP rs1490689068, ClinGen allele CA368128293.

ClinVar aggregate classification (germline): Uncertain significance. Review status: criteria provided, multiple submitters, no conflicts (2 of 4 stars). 2 submissions from 2 submitters: Uncertain significance (2). Last evaluated 2025-08-04.

Conditions:
Long QT syndrome (LQTS). Identifiers: MedGen C0023976, MeSH D008133, MONDO:0002442. Disease mechanism: loss of function. Inheritance: Various modes of inheritance.
Cardiovascular phenotype. Identifiers: MedGen CN230736.

Allele frequency attached by ClinVar (database versions not stated): TOPMed below 0.00001; gnomAD 0.00001; gnomAD exomes 0.00001.
gnomAD v4.1: 8 of 1,591,732 alleles (0.0005%); highest among the groups gnomAD compares: East Asian, 0.0022%; no homozygotes.

Submissions (2):

Labcorp Genetics (formerly Invitae), Labcorp
Classification: Uncertain significance for Long QT syndrome. Last evaluated: 2025-08-04. Review status: criteria provided, single submitter. Criteria: Invitae Variant Classification Sherloc (09022015). Collection method: clinical testing. Allele origin: germline.
Comment: This sequence change replaces isoleucine, which is neutral and non-polar, with threonine, which is neutral and polar, at codon 1414 of the AKAP9 protein (p.Ile1414Thr). This variant is present in population databases (no rsID available, gnomAD no frequency). This variant has not been reported in the literature in individuals affected with AKAP9-related conditions. ClinVar contains an entry for this variant (Variation ID: 3106854). An algorithm developed to predict the effect of missense changes on protein structure and function outputs the following: PolyPhen-2: "Benign". The threonine amino acid residue is found in multiple mammalian species, which suggests that this missense change does not adversely affect protein function. In summary, the available evidence is currently insufficient to determine the role of this variant in disease. Therefore, it has been classified as a Variant of Uncertain Significance.

Ambry Genetics
Classification: Uncertain significance for Cardiovascular phenotype. Last evaluated: 2024-02-05. Review status: criteria provided, single submitter. Criteria: Ambry Variant Classification Scheme 2023. Collection method: clinical testing. Allele origin: germline.